The following is an entry in ClinVar:

ClinVar aggregate classification (germline): Pathogenic (1 of 4 stars; one submission).

Submission:

Labcorp Genetics (formerly Invitae), Labcorp
Classification: Pathogenic. Last evaluated: 2023-05-20. Review status: criteria provided, single submitter. Criteria: Invitae Variant Classification Sherloc (09022015). Collection method: clinical testing. Allele origin: germline.
Comment: For these reasons, this variant has been classified as Pathogenic. This sequence change creates a premature translational stop signal (p.Val1102Phefs*2) in the VPS13A gene. It is expected to result in an absent or disrupted protein product. Loss-of-function variants in VPS13A are known to be pathogenic (PMID: 12404112, 21598378). This variant has not been reported in the literature in individuals affected with VPS13A-related conditions. This variant is not present in population databases (gnomAD no frequency).

Literature cited by the submitters: PubMed 12404112; PubMed 21598378.

NM_033305.3(VPS13A):c.3304del (p.Val1102fs)

Gene: VPS13A (vacuolar protein sorting 13 homolog A; plus strand). Cytogenetic location: 9q21.2.
Variant type: Deletion.
Coding change: c.3304del on transcript NM_033305.3 (MANE Select); coding-DNA position 3304, one base deleted (G; older notation c.3304delG).
Protein change: p.Val1102fs; shifts the reading frame from valine 1102.
Molecular consequence: frameshift variant.
Genome position (GRCh38, 1-based): chr9:77,283,615, G deleted. VCF-style (leftmost placement, unchanged base first): chr9-77283614-TG-T. GRCh37 (hg19) VCF-style: chr9-79898530-TG-T.
Other names: c.3187del, p.Val1063fs (NM_001018037.2); c.3304del, p.Val1102fs (NM_001018038.3, NM_015186.4); short protein forms V1102fs, V1063fs.
Identifiers: ClinVar variation 2778538 (VCV002778538.3), dbSNP rs2537848857, ClinGen allele CA2579360053.